The following is an entry in ClinVar:

NM_001085411.3(NADK2):c.300+2T>G

Genes: NADK2 (NAD kinase 2, mitochondrial; minus strand), LOC129993801 (ATAC-STARR-seq lymphoblastoid silent region 15972; plus strand). Cytogenetic location: 5p13.2.
Variant type: single nucleotide variant.
Coding change: c.300+2T>G on transcript NM_001085411.3 (MANE Select); the canonical splice donor site of the intron after coding-DNA position 300, T replaced by G.
Molecular consequence: splice donor variant. On other transcripts: intron variant (2).
Genome position (GRCh38, 1-based): chr5:36,241,497, A>C on the plus strand (T>G on the coding strand, the complement: NADK2 is on the minus strand). VCF-style: chr5-36241497-A-C. GRCh37 (hg19) VCF-style: chr5-36241599-A-C.
Other names: c.-190+599T>G (NM_153013.5, NM_001287341.2).
Identifiers: ClinVar variation 4886643 (VCV004886643.2).
Genomic context (GRCh38, chr5:36,241,497, plus strand): 5'-CGCAGCCGCCACCAGAGCCCCGGCCGAGCCCGGGAGCGAAGCGGGGCCGAGCCAGGACCC[A>C]CCAGCTGCTTCAGGTCCTCCTCCGAGAGCTCCGCGTAACGGTACCGCTGCTGCTCGAACT-3'

ClinVar aggregate classification (germline): Likely pathogenic (1 of 4 stars; one submission).

Submission:

Dasa
Classification: Likely pathogenic. Last evaluated: 2025-01-30. Review status: criteria provided, single submitter. Criteria: DASA Assertion Criteria. Collection method: clinical testing. Allele origin: germline.
Comment: NM_001085411.3(NADK2):c.300+2T>G affects a canonical splice site and is predicted to disrupt normal RNA splicing. Loss of function is an established disease mechanism for NADK2-associated disorders. Also, this variant is absent from population databases. Based on the currently available evidence, this variant is classified as likely pathogenic.